The following is an entry in ClinVar:

NM_000283.4(PDE6B):c.1083C>T (p.Ser361=)

Gene: PDE6B (phosphodiesterase 6B; plus strand). Cytogenetic location: 4p16.3.
Variant type: single nucleotide variant.
Coding change: c.1083C>T on transcript NM_000283.4 (MANE Select); coding-DNA position 1083, C replaced by T.
Protein change: p.Ser361=; no amino-acid change (serine 361 retained).
Molecular consequence: synonymous variant. On other transcripts: intron variant (1).
Genome position (GRCh38, 1-based): chr4:656,268, C>T. VCF-style: chr4-656268-C-T. GRCh37 (hg19) VCF-style: chr4-650057-C-T.
Other names: c.1083C>T, p.Ser361= (NM_001145291.2); c.246C>T, p.Ser82= (NM_001145292.2, NM_001350154.3, NM_001379246.1 and 1 more transcripts); c.-48-606C>T (NM_001350155.3).
Identifiers: ClinVar variation 349371 (VCV000349371.19), dbSNP rs142802752, ClinGen allele CA2794333.

ClinVar aggregate classification (germline): Conflicting classifications of pathogenicity. Review status: criteria provided, conflicting classifications (1 of 4 stars). 6 submissions from 5 submitters: Uncertain significance (1); Benign (1); Likely benign (2). 2 of the submissions do not count toward it. Last evaluated 2026-01-21.

Conditions:
Retinitis pigmentosa (RP). Identifiers: Orphanet 791, MedGen C0035334, MeSH D012174, MONDO:0019200, OMIM 268000. Inheritance: Autosomal dominant, autosomal recessive and X linked inheritance.
Congenital stationary night blindness autosomal dominant 2. Also called: NIGHT BLINDNESS, CONGENITAL STATIONARY, RAMBUSCH TYPE. Identifiers: Orphanet 215, MedGen C1876182, MONDO:0008099, OMIM 163500.

Allele frequency attached by ClinVar (database versions not stated): gnomAD 0.00068 and 0.00073; ESP Exome Variant Server 0.00069; gnomAD exomes 0.00083 and 0.00051; 1000 Genomes Project 0.00040; 1000 Genomes Project 30x 0.00047; ExAC 0.00058; TOPMed 0.00064.
gnomAD v4.1: 1,292 of 1,595,928 alleles (0.081%); highest among the groups gnomAD compares: Non-Finnish European, 0.098%; 5 homozygotes.

Submissions (6):

Labcorp Genetics (formerly Invitae), Labcorp
Classification: Likely benign. Last evaluated: 2026-01-21. Review status: criteria provided, single submitter. Criteria: Invitae Variant Classification Sherloc (09022015). Collection method: clinical testing. Allele origin: germline.

Blueprint Genetics
Classification: Likely benign. Last evaluated: 2024-08-01. Review status: criteria provided, single submitter. Criteria: ACMG Guidelines, 2015. Collection method: clinical testing. Allele origin: germline.

Illumina Laboratory Services, Illumina
Classification: Uncertain significance for Retinitis pigmentosa. Last evaluated: 2018-01-12. Review status: criteria provided, single submitter. Criteria: ICSL Variant Classification Criteria 13 December 2019. Collection method: clinical testing. Allele origin: germline.

Illumina Laboratory Services, Illumina
Classification: Benign for Congenital stationary night blindness autosomal dominant 2. Last evaluated: 2018-01-12. Review status: criteria provided, single submitter. Criteria: ICSL Variant Classification Criteria 13 December 2019. Collection method: clinical testing. Allele origin: germline.
Comment: This variant was observed in the ICSL laboratory as part of a predisposition screen in an ostensibly healthy population. It had not been previously curated by ICSL or reported in the Human Gene Mutation Database (HGMD: prior to June 1st, 2018), and was therefore a candidate for classification through an automated scoring system. Utilizing variant allele frequency, disease prevalence and penetrance estimates, and inheritance mode, an automated score was calculated to assess if this variant is too frequent to cause the disease. Based on the score and internal cut-off values, a variant classified as benign is not then subjected to further curation. The score for this variant resulted in a classification of benign for this disease.

Clinical Genetics DNA and cytogenetics Diagnostics Lab, Erasmus MC, Erasmus Medical Center
Classification: Likely benign. Review status: no assertion criteria provided. Collection method: clinical testing. Allele origin: germline. Affected: yes. Study: VKGL Data-share Consensus. Not counted in ClinVar's aggregate classification.

Clinical Genetics, Academic Medical Center
Classification: Likely benign. Review status: no assertion criteria provided. Collection method: clinical testing. Allele origin: germline. Affected: yes. Study: VKGL Data-share Consensus. Not counted in ClinVar's aggregate classification.